The following is an entry in ClinVar:

ClinVar aggregate classification (germline): Pathogenic. Review status: criteria provided, multiple submitters, no conflicts (2 of 4 stars). 2 submissions from 2 submitters: Pathogenic (2). Last evaluated 2024-04-24.

Conditions:
Hereditary breast ovarian cancer syndrome. Also called: Hereditary breast and ovarian cancer; Hereditary breast and ovarian cancer syndrome; Breast and ovarian cancer; BRCA1- and BRCA2-Associated Hereditary Breast and Ovarian Cancer; Hereditary breast and ovarian cancer syndrome (HBOC); Hereditary breast and/or ovarian cancer syndrome. Identifiers: Orphanet 145, MedGen C0677776, MeSH D061325, MONDO:0003582. Disease mechanism: loss of function.

Submissions (2):

Labcorp Genetics (formerly Invitae), Labcorp
Classification: Pathogenic for Hereditary breast ovarian cancer syndrome. Last evaluated: 2024-04-24. Review status: criteria provided, single submitter. Criteria: Invitae Variant Classification Sherloc (09022015). Collection method: clinical testing. Allele origin: germline.
Comment: This sequence change affects an acceptor splice site in intron 14 of the BRCA2 gene. It is expected to disrupt RNA splicing. Variants that disrupt the donor or acceptor splice site typically lead to a loss of protein function (PMID: 16199547), and loss-of-function variants in BRCA2 are known to be pathogenic (PMID: 20104584). This variant is not present in population databases (gnomAD no frequency). Disruption of this splice site has been observed in individual(s) with breast and/or ovarian cancer (PMID: 24156927, 30287823). ClinVar contains an entry for this variant (Variation ID: 1400967). Studies have shown that disruption of this splice site alters mRNA splicing and is expected to lead to the loss of protein expression (PMID: 22505045, 31191615). For these reasons, this variant has been classified as Pathogenic.

Quest Diagnostics Nichols Institute San Juan Capistrano
Classification: Pathogenic. Last evaluated: 2022-10-18. Review status: criteria provided, single submitter. Criteria: Quest Diagnostics criteria. Collection method: clinical testing. Allele origin: unknown.
Comment: This variant disrupts a canonical splice-acceptor site and interferes with normal BRCA2 mRNA splicing. The variant has not been reported in individuals with BRCA2-related diseases in the published literature. It also has not been reported in large, multi-ethnic general populations. Based on the available information, this variant is classified as pathogenic.

Literature cited by the submitters: PubMed 16199547 (cited by Labcorp Genetics (formerly Invitae), Labcorp); PubMed 20104584 (cited by Labcorp Genetics (formerly Invitae), Labcorp); PubMed 24156927 (cited by Labcorp Genetics (formerly Invitae), Labcorp); PubMed 30287823 (cited by Labcorp Genetics (formerly Invitae), Labcorp); PubMed 22505045 (cited by Labcorp Genetics (formerly Invitae), Labcorp); PubMed 31191615 (cited by Labcorp Genetics (formerly Invitae), Labcorp).

NM_000059.4(BRCA2):c.7436-2A>C

Gene: BRCA2 (BRCA2 DNA repair associated; plus strand). Cytogenetic location: 13q13.1.
Variant type: single nucleotide variant.
Coding change: c.7436-2A>C on transcript NM_000059.4 (MANE Select); the canonical splice acceptor site of the intron before coding-DNA position 7436, A replaced by C.
Molecular consequence: splice acceptor variant.
Genome position (GRCh38, 1-based): chr13:32,356,426, A>C. VCF-style: chr13-32356426-A-C. GRCh37 (hg19) VCF-style: chr13-32930563-A-C.
Other names: c.7436-2A>C (NM_001406720.1, NM_000059.3); c.7340-2A>C (NM_001406719.1); c.2504-2A>C (NM_001406721.1); c.1019-2A>C (NM_001406722.1).
Identifiers: ClinVar variation 1400967 (VCV001400967.7), dbSNP rs397507917, ClinGen allele CA387742928.